The following is an entry in ClinVar:

ClinVar aggregate classification (germline): Uncertain significance (1 of 4 stars; one submission).

Conditions:
Cowden syndrome 6 (CWS6). Identifiers: Orphanet 201, MedGen C3554519, MONDO:0014048, OMIM 615109.

Allele frequency attached by ClinVar (database versions not stated): TOPMed below 0.00001.

Submission:

Labcorp Genetics (formerly Invitae), Labcorp
Classification: Uncertain significance for Cowden syndrome 6. Last evaluated: 2021-08-11. Review status: criteria provided, single submitter. Criteria: Invitae Variant Classification Sherloc (09022015). Collection method: clinical testing. Allele origin: germline.
Comment: Algorithms developed to predict the effect of missense changes on protein structure and function are either unavailable or do not agree on the potential impact of this missense change (SIFT: "Deleterious"; PolyPhen-2: "Benign"; Align-GVGD: "Class C65"). This variant has not been reported in the literature in individuals affected with AKT1-related conditions. This variant is not present in population databases (ExAC no frequency). This sequence change replaces arginine with cysteine at codon 76 of the AKT1 protein (p.Arg76Cys). The arginine residue is highly conserved and there is a large physicochemical difference between arginine and cysteine. In summary, the available evidence is currently insufficient to determine the role of this variant in disease. Therefore, it has been classified as a Variant of Uncertain Significance.

NM_001382430.1(AKT1):c.226C>T (p.Arg76Cys)

Gene: AKT1 (AKT serine/threonine kinase 1; minus strand). Cytogenetic location: 14q32.33.
Variant type: single nucleotide variant.
Coding change: c.226C>T on transcript NM_001382430.1 (MANE Select); coding-DNA position 226, C replaced by T.
Protein change: p.Arg76Cys; replaces arginine 76 with cysteine.
Molecular consequence: missense variant.
Genome position (GRCh38, 1-based): chr14:104,776,720, G>A on the plus strand (C>T on the coding strand, the complement: AKT1 is on the minus strand). VCF-style: chr14-104776720-G-A. GRCh37 (hg19) VCF-style: chr14-105243057-G-A.
Other names: c.226C>T, p.Arg76Cys (NM_001014431.2, NM_001014432.2, NM_001382431.1 and 3 more transcripts); short protein forms R76C.
Identifiers: ClinVar variation 1472166 (VCV001472166.6), dbSNP rs1012676649, ClinGen allele CA267350765.